The following is an entry in ClinVar:

NM_000245.4(MET):c.642A>G (p.Ile214Met)

Gene: MET (MET proto-oncogene, receptor tyrosine kinase; plus strand). Cytogenetic location: 7q31.2.
Variant type: single nucleotide variant.
Coding change: c.642A>G on transcript NM_000245.4 (MANE Select); coding-DNA position 642, A replaced by G.
Protein change: p.Ile214Met; replaces isoleucine 214 with methionine.
Molecular consequence: missense variant. On other transcripts: intron variant (1).
Genome position (GRCh38, 1-based): chr7:116,699,726, A>G. VCF-style: chr7-116699726-A-G. GRCh37 (hg19) VCF-style: chr7-116339780-A-G.
Other names: c.642A>G, p.Ile214Met (NM_001127500.3, NM_001324401.3); c.-91+27149A>G (NM_001324402.2); short protein forms I214M.
Identifiers: ClinVar variation 5024338 (VCV005024338.1).

ClinVar aggregate classification (germline): Uncertain significance (1 of 4 stars; one submission).

Conditions:
Hereditary cancer-predisposing syndrome. Also called: Neoplastic Syndromes, Hereditary; Tumor predisposition; Hereditary neoplastic syndrome; Hereditary Cancer Syndrome. Identifiers: Orphanet 140162, MedGen C0027672, MeSH D009386, MONDO:0015356.

Submission:

Ambry Genetics
Classification: Uncertain significance for Hereditary cancer-predisposing syndrome. Last evaluated: 2026-07-01. Review status: criteria provided, single submitter. Criteria: Ambry Variant Classification Scheme 2023. Collection method: clinical testing. Allele origin: germline.
Comment: The p.I214M variant (also known as c.642A>G), located in coding exon 1 of the MET gene, results from an A to G substitution at nucleotide position 642. The isoleucine at codon 214 is replaced by methionine, an amino acid with highly similar properties. This amino acid position is conserved. In addition, this alteration is predicted to be tolerated by in silico analysis. Based on the available evidence, the clinical significance of this variant remains unclear.